The following is an entry in ClinVar:

ClinVar aggregate classification (germline): Likely benign (0 of 4 stars; one submission).

Conditions:
UACA-related disorder. Also called: UACA-related condition.

Allele frequency attached by ClinVar (database versions not stated): TOPMed 0.00001; gnomAD 0.00003; gnomAD exomes 0.00007; ExAC 0.00010.

Submission:

PreventionGenetics, part of Exact Sciences
Classification: Likely benign for UACA-related condition. Last evaluated: 2019-06-05. Review status: no assertion criteria provided. Collection method: clinical testing. Allele origin: germline.
Comment: This variant is classified as likely benign based on ACMG/AMP sequence variant interpretation guidelines (Richards et al. 2015 PMID: 25741868, with internal and published modifications).

NM_018003.4(UACA):c.999+9A>G

Gene: UACA (uveal autoantigen with coiled-coil domains and ankyrin repeats; minus strand). Cytogenetic location: 15q23.
Variant type: single nucleotide variant.
Coding change: c.999+9A>G on transcript NM_018003.4 (MANE Select); 9 bases into the intron after coding-DNA position 999, A replaced by G.
Molecular consequence: intron variant.
Genome position (GRCh38, 1-based): chr15:70,678,090, T>C on the plus strand (A>G on the coding strand, the complement: UACA is on the minus strand). VCF-style: chr15-70678090-T-C. GRCh37 (hg19) VCF-style: chr15-70970429-T-C.
Other names: c.960+9A>G (NM_001008224.3).
Identifiers: ClinVar variation 3044292 (VCV003044292.2), dbSNP rs779079153, ClinGen allele CA7637289.